The following is an entry in ClinVar:

NM_001077653.2(TBX20):c.670A>G (p.Met224Val)

Gene: TBX20 (T-box transcription factor 20; minus strand). Cytogenetic location: 7p14.2.
Variant type: single nucleotide variant.
Coding change: c.670A>G on transcript NM_001077653.2 (MANE Select); coding-DNA position 670, A replaced by G.
Protein change: p.Met224Val; replaces methionine 224 with valine.
Molecular consequence: missense variant.
Genome position (GRCh38, 1-based): chr7:35,241,022, T>C on the plus strand (A>G on the coding strand, the complement: TBX20 is on the minus strand). VCF-style: chr7-35241022-T-C. GRCh37 (hg19) VCF-style: chr7-35280634-T-C.
Other names: c.670A>G, p.Met224Val (NM_001166220.1); short protein forms M224V.
Identifiers: ClinVar variation 1410208 (VCV001410208.7), dbSNP rs2128714672, ClinGen allele CA367264208.
Genomic context (GRCh38, chr7:35,241,022, plus strand): 5'-GCAATGAGGCTGTGTGGTCTTTCTTCTTAATGATGTGCACCCTTGGCTGGTACTTATGCA[T>C]TGAGTTCAAAATTATCTACAACAAAAAGATGGGAAGTACTGAATTTTACATACTTATACT-3'
Protein context (NP_001071121.1, residues 214-234): DQHGHIILNS[Met224Val]HKYQPRVHII

ClinVar aggregate classification (germline): Uncertain significance. Review status: criteria provided, multiple submitters, no conflicts (2 of 4 stars). 2 submissions from 2 submitters: Uncertain significance (2). Last evaluated 2025-01-16.

Submissions (2):

GeneDx
Classification: Uncertain significance. Last evaluated: 2025-01-16. Review status: criteria provided, single submitter. Criteria: GeneDx Variant Classification Process June 2021. Collection method: clinical testing. Allele origin: germline. Affected: yes.
Comment: Observed in patient and parent with left ventricular noncompaction in published literature; however, no additional information was provided (PMID: 30384889); Not observed at significant frequency in large population cohorts (gnomAD); In silico analysis supports that this missense variant has a deleterious effect on protein structure/function; This variant is associated with the following publications: (PMID: 30384889)

Labcorp Genetics (formerly Invitae), Labcorp
Classification: Uncertain significance. Last evaluated: 2021-11-22. Review status: criteria provided, single submitter. Criteria: Invitae Variant Classification Sherloc (09022015). Collection method: clinical testing. Allele origin: germline.
Comment: In summary, the available evidence is currently insufficient to determine the role of this variant in disease. Therefore, it has been classified as a Variant of Uncertain Significance. This sequence change replaces methionine, which is neutral and non-polar, with valine, which is neutral and non-polar, at codon 224 of the TBX20 protein (p.Met224Val). This variant is not present in population databases (gnomAD no frequency). This missense change has been observed in individual(s) with cardiomyopathy (PMID: 30384889). Algorithms developed to predict the effect of missense changes on protein structure and function are either unavailable or do not agree on the potential impact of this missense change (SIFT: "Deleterious"; PolyPhen-2: "Probably Damaging"; Align-GVGD: "Class C15").

Literature cited by the submitters: PubMed 30384889 (cited by Labcorp Genetics (formerly Invitae), Labcorp).